The following is an entry in ClinVar:

NM_001127898.4(CLCN5):c.1911C>A (p.Tyr637Ter)

Genes: CLCN5 (chloride voltage-gated channel 5; plus strand), LOC126863258 (BRD4-independent group 4 enhancer GRCh37_chrX:49854497-49855696; plus strand). Cytogenetic location: Xp11.23.
Variant type: single nucleotide variant.
Coding change: c.1911C>A on transcript NM_001127898.4 (MANE Select); coding-DNA position 1911, C replaced by A.
Protein change: p.Tyr637Ter; replaces tyrosine 637 with a stop codon.
Molecular consequence: nonsense.
Genome position (GRCh38, 1-based): chrX:50,090,282, C>A. VCF-style: chrX-50090282-C-A. GRCh37 (hg19) VCF-style: chrX-49854939-C-A.
Other names: c.1701C>A, p.Tyr567Ter (NM_000084.5); c.1911C>A, p.Tyr637Ter (NM_001127899.4); c.1761C>A, p.Tyr587Ter (NM_001282163.2); short protein forms Y567*, Y587*, Y637*.
Identifiers: ClinVar variation 3724236 (VCV003724236.2).

ClinVar aggregate classification (germline): Pathogenic (1 of 4 stars; one submission).

Submission:

Labcorp Genetics (formerly Invitae), Labcorp
Classification: Pathogenic. Last evaluated: 2024-10-28. Review status: criteria provided, single submitter. Criteria: Invitae Variant Classification Sherloc (09022015). Collection method: clinical testing. Allele origin: germline.
Comment: This sequence change creates a premature translational stop signal (p.Tyr567*) in the CLCN5 gene. It is expected to result in an absent or disrupted protein product. Loss-of-function variants in CLCN5 are known to be pathogenic (PMID: 22876375, 25907713). This variant is not present in population databases (gnomAD no frequency). This premature translational stop signal has been observed in individual(s) with CLCN5-related conditions (PMID: 21932010). For these reasons, this variant has been classified as Pathogenic.

Literature cited by the submitters: PubMed 22876375; PubMed 25907713; PubMed 21932010.